The following is an entry in ClinVar:

NM_003716.4(CADPS):c.351G>A (p.Lys117=)

Gene: CADPS (calcium dependent secretion activator; minus strand). Cytogenetic location: 3p14.2.
Variant type: single nucleotide variant.
Coding change: c.351G>A on transcript NM_003716.4 (MANE Select); coding-DNA position 351, G replaced by A.
Protein change: p.Lys117=; no amino-acid change (lysine 117 retained).
Molecular consequence: synonymous variant.
Genome position (GRCh38, 1-based): chr3:62,874,679, C>T on the plus strand (G>A on the coding strand, the complement: CADPS is on the minus strand). VCF-style: chr3-62874679-C-T. GRCh37 (hg19) VCF-style: chr3-62860354-C-T.
Other names: c.351G>A, p.Lys117= (NM_183393.3, NM_183394.3).
Identifiers: ClinVar variation 3034959 (VCV003034959.2), dbSNP rs140977565, ClinGen allele CA2477317.
Genomic context (GRCh38, chr3:62,874,679, plus strand): 5'-CTGCTTGGCATTAAAGGGGTAGGCGATGCAGCGCATCACGAACACATACAGCTGCAGCCT[C>T]TTCTTCCTCTCCTCCTCCTCTTTCTGCAGCCGCTCCAACTCTTCCTTCTCCTTCTCGCTC-3'
Protein context (NP_003707.2, residues 107-127): RLQKEEEERK[Lys117=]RLQLYVFVMR

ClinVar aggregate classification (germline): Likely benign (0 of 4 stars; one submission).

Conditions:
CADPS-related disorder. Also called: CADPS-related condition.

Allele frequency attached by ClinVar (database versions not stated): ExAC 0.00055; gnomAD 0.00114; ESP Exome Variant Server 0.00117; 1000 Genomes Project 0.00120; TOPMed 0.00148; 1000 Genomes Project 30x 0.00156.
gnomAD v4.1: 423 of 1,555,336 alleles (0.027%); highest among the groups gnomAD compares: African/African-American, 0.42%; 1 homozygote.

Submission:

PreventionGenetics, part of Exact Sciences
Classification: Likely benign for CADPS-related condition. Last evaluated: 2022-08-02. Review status: no assertion criteria provided. Collection method: clinical testing. Allele origin: germline.
Comment: This variant is classified as likely benign based on ACMG/AMP sequence variant interpretation guidelines (Richards et al. 2015 PMID: 25741868, with internal and published modifications).